The following is an entry in ClinVar:

ClinVar aggregate classification (germline): Uncertain significance. Review status: criteria provided, multiple submitters, no conflicts (2 of 4 stars). 3 submissions from 3 submitters: Uncertain significance (2). 1 of the submissions does not count toward it. Last evaluated 2018-01-13.

Conditions:
NBEAL2-related disorder. Also called: NBEAL2-related condition.
Gray platelet syndrome (GPS). Also called: BLEEDING DISORDER, PLATELET-TYPE, 4. Identifiers: Orphanet 721, MedGen C0272302, MONDO:0007686, OMIM 139090.

Allele frequency attached by ClinVar (database versions not stated): 1000 Genomes Project 0.00040; ExAC 0.00046; ESP Exome Variant Server 0.00008; gnomAD 0.00024 and 0.00029; TOPMed 0.00028; gnomAD exomes 0.00039; 1000 Genomes Project 30x 0.00047.
gnomAD v4.1: 285 of 1,603,148 alleles (0.018%); highest among the groups gnomAD compares: East Asian, 0.12%; 2 homozygotes.

Submissions (3):

Illumina Laboratory Services, Illumina
Classification: Uncertain significance for Gray platelet syndrome. Last evaluated: 2018-01-13. Review status: criteria provided, single submitter. Criteria: ICSL Variant Classification Criteria 13 December 2019. Collection method: clinical testing. Allele origin: germline.

Juno Genomics, Hangzhou Juno Genomics, Inc
Classification: Uncertain significance for Gray platelet syndrome. Review status: criteria provided, single submitter. Criteria: ACMG Guidelines, 2015. Collection method: clinical testing. Allele origin: germline. Affected: yes.
Comment: Absent from controls (or at extremely low frequency if recessive) in Genome Aggregation Database, Exome Sequencing Project, 1000 Genomes Project, or Exome Aggregation Consortium.;Multiple lines of computational evidence suggest no impact on gene or gene product (conservation, evolutionary, splicing impact, etc).

PreventionGenetics, part of Exact Sciences
Classification: Likely benign for NBEAL2-related condition. Last evaluated: 2022-03-31. Review status: no assertion criteria provided. Collection method: clinical testing. Allele origin: germline. Not counted in ClinVar's aggregate classification.
Comment: This variant is classified as likely benign based on ACMG/AMP sequence variant interpretation guidelines (Richards et al. 2015 PMID: 25741868, with internal and published modifications).

NM_015175.3(NBEAL2):c.5356A>T (p.Thr1786Ser)

Gene: NBEAL2 (neurobeachin like 2; plus strand). Cytogenetic location: 3p21.31.
Variant type: single nucleotide variant.
Coding change: c.5356A>T on transcript NM_015175.3 (MANE Select); coding-DNA position 5356, A replaced by T.
Protein change: p.Thr1786Ser; replaces threonine 1786 with serine.
Molecular consequence: missense variant.
Genome position (GRCh38, 1-based): chr3:47,002,699, A>T. VCF-style: chr3-47002699-A-T. GRCh37 (hg19) VCF-style: chr3-47044189-A-T.
Other names: c.5254A>T, p.Thr1752Ser (NM_001365116.2); short protein forms T1786S, T1752S.
Identifiers: ClinVar variation 345673 (VCV000345673.9), dbSNP rs373627201, ClinGen allele CA2361524.